The following is an entry in ClinVar:

NM_006412.4(AGPAT2):c.176_178delinsC (p.Asn59fs)

Gene: AGPAT2 (1-acylglycerol-3-phosphate O-acyltransferase 2; minus strand). Cytogenetic location: 9q34.3.
Variant type: Indel.
Coding change: c.176_178delinsC on transcript NM_006412.4 (MANE Select); coding-DNA positions 176 to 178, ACA replaced by C.
Protein change: p.Asn59fs; shifts the reading frame from asparagine 59.
Molecular consequence: frameshift variant.
Genome position (GRCh38, 1-based): chr9:136,687,180-136,687,182, TGT replaced by G on the plus strand (ACA replaced by C on the coding strand, the reverse complement: AGPAT2 is on the minus strand). VCF-style: chr9-136687180-TGT-G. GRCh37 (hg19) VCF-style: chr9-139581632-TGT-G.
Other names: c.176_178delinsC, p.Asn59fs (NM_001012727.2); short protein forms N59fs.
Identifiers: ClinVar variation 4848905 (VCV004848905.1).

ClinVar aggregate classification (germline): Pathogenic (1 of 4 stars; one submission).

Conditions:
Congenital generalized lipodystrophy. Also called: Congenital generalized lipodystrophy (disease). Identifiers: MedGen C0221032, MONDO:0006536, HP:0009059.

Submission:

Women's Health and Genetics/Laboratory Corporation of America, LabCorp
Classification: Pathogenic for Congenital generalized lipodystrophy. Last evaluated: 2026-04-03. Review status: criteria provided, single submitter. Criteria: LabCorp Variant Classification Summary - May 2015. Collection method: clinical testing. Allele origin: germline.
Comment: Variant summary: AGPAT2 c.176_178delinsC (p.Asn59ThrfsX88) results in a premature termination codon, predicted to cause a truncation of the encoded protein or absence of the protein due to nonsense mediated decay, which are commonly known mechanisms for disease. The variant was absent in 205830 control chromosomes. To our knowledge, no occurrence of c.176_178delinsC in individuals affected with AGPAT2-related conditions and no experimental evidence demonstrating its impact on protein function have been reported. No submitters have cited clinical-significance assessments for this variant to ClinVar. Based on the evidence outlined above, the variant was classified as pathogenic.